The following is an entry in ClinVar:

ClinVar aggregate classification (germline): Uncertain significance (1 of 4 stars; one submission).

gnomAD v4.1: 1 of 1,614,036 alleles (0.000062%); highest among the groups gnomAD compares: Non-Finnish European, 0.000085%; no homozygotes.

Submission:

Labcorp Genetics (formerly Invitae), Labcorp
Classification: Uncertain significance. Last evaluated: 2026-01-06. Review status: criteria provided, single submitter. Criteria: Invitae Variant Classification Sherloc (09022015). Collection method: clinical testing. Allele origin: germline.
Comment: This sequence change replaces serine, which is neutral and polar, with alanine, which is neutral and non-polar, at codon 575 of the NIN protein (p.Ser575Ala). This variant is not present in population databases (gnomAD no frequency). This variant has not been reported in the literature in individuals affected with NIN-related conditions. An algorithm developed to predict the effect of missense changes on protein structure and function outputs the following: PolyPhen-2: "Benign". The alanine amino acid residue is found in multiple mammalian species, which suggests that this missense change does not adversely affect protein function. In summary, the available evidence is currently insufficient to determine the role of this variant in disease. Therefore, it has been classified as a Variant of Uncertain Significance.

NM_020921.4(NIN):c.1723T>G (p.Ser575Ala)

Gene: NIN (ninein; minus strand). Cytogenetic location: 14q22.1.
Variant type: single nucleotide variant.
Coding change: c.1723T>G on transcript NM_020921.4 (MANE Select); coding-DNA position 1723, T replaced by G.
Protein change: p.Ser575Ala; replaces serine 575 with alanine.
Molecular consequence: missense variant.
Genome position (GRCh38, 1-based): chr14:50,763,877, A>C on the plus strand (T>G on the coding strand, the complement: NIN is on the minus strand). VCF-style: chr14-50763877-A-C. GRCh37 (hg19) VCF-style: chr14-51230595-A-C.
Other names: c.1723T>G, p.Ser575Ala (NM_016350.5, NM_182944.3, NM_182946.2); short protein forms S575A.
Identifiers: ClinVar variation 4734767 (VCV004734767.1).